The following is an entry in ClinVar:

NM_006412.4(AGPAT2):c.790C>T (p.Gln264Ter)

Gene: AGPAT2 (1-acylglycerol-3-phosphate O-acyltransferase 2; minus strand). Cytogenetic location: 9q34.3.
Variant type: single nucleotide variant.
Coding change: c.790C>T on transcript NM_006412.4 (MANE Select); coding-DNA position 790, C replaced by T.
Protein change: p.Gln264Ter; replaces glutamine 264 with a stop codon.
Molecular consequence: nonsense.
Genome position (GRCh38, 1-based): chr9:136,673,799, G>A on the plus strand (C>T on the coding strand, the complement: AGPAT2 is on the minus strand). VCF-style: chr9-136673799-G-A. GRCh37 (hg19) VCF-style: chr9-139568251-G-A.
Other names: c.694C>T, p.Gln232Ter (NM_001012727.2); short protein forms Q232*, Q264*.
Identifiers: ClinVar variation 4850309 (VCV004850309.2).

ClinVar aggregate classification (germline): Likely pathogenic. Review status: criteria provided, multiple submitters, no conflicts (2 of 4 stars). 2 submissions from 2 submitters: Likely pathogenic (2). Last evaluated 2025-11-17.

Conditions:
Congenital generalized lipodystrophy type 1 (CGL1). Also called: BRUNZELL SYNDROME, AGPAT2-RELATED; Berardinelli-Seip Congenital Lipodystrophy Type 1. Identifiers: Orphanet 528, Orphanet 696189, MedGen C1720862, MONDO:0012071, OMIM 608594.
AGPAT2-related disorder. Also called: AGPAT2-related condition.

Submissions (2):

First Genomix Gene Laboratory, Genetic Diagnostics Department
Classification: Likely pathogenic for Congenital generalized lipodystrophy type 1. Last evaluated: 2025-11-17. Review status: criteria provided, single submitter. Criteria: ACMG Guidelines, 2015. Collection method: clinical testing. Allele origin: germline. Inheritance: Autosomal recessive inheritance. Affected: no. Observed: 1 variant allele.

Blueprint Genetics
Classification: Likely pathogenic for AGPAT2-related disorders. Last evaluated: 2024-07-24. Review status: criteria provided, single submitter. Criteria: ACMG Guidelines, 2015. Collection method: clinical testing. Allele origin: germline. Affected: yes. Observed: 3 variant alleles.